The following is an entry in ClinVar:

ClinVar aggregate classification (germline): Uncertain significance (1 of 4 stars; one submission).

Conditions:
Congenital sideroblastic anemia-B-cell immunodeficiency-periodic fever-developmental delay syndrome. Also called: Sideroblastic anemia with B-cell immunodeficiency, periodic fevers, and developmental delay. Identifiers: Orphanet 369861, MedGen C4015172, MONDO:0014487, OMIM 616084.

Submission:

Labcorp Genetics (formerly Invitae), Labcorp
Classification: Uncertain significance for Congenital sideroblastic anemia-B-cell immunodeficiency-periodic fever-developmental delay syndrome. Last evaluated: 2021-11-10. Review status: criteria provided, single submitter. Criteria: Invitae Variant Classification Sherloc (09022015). Collection method: clinical testing. Allele origin: germline.
Comment: This variant has not been reported in the literature in individuals affected with TRNT1-related conditions. In summary, the available evidence is currently insufficient to determine the role of this variant in disease. Therefore, it has been classified as a Variant of Uncertain Significance. This variant is not present in population databases (gnomAD no frequency). This variant occurs in a non-coding region of the TRNT1 gene. It does not change the encoded amino acid sequence of the TRNT1 protein.

NM_182916.3(TRNT1):c.*2del (p.Ter435=)

Gene: TRNT1 (tRNA nucleotidyl transferase 1; plus strand). Cytogenetic location: 3p26.2.
Variant type: Deletion.
Coding change: c.*2del on transcript NM_182916.3 (MANE Select); 2 bases downstream of the stop codon, one base deleted (A; older notation c.*2delA).
Protein change: p.Ter435=.
Molecular consequence: no sequence alteration. On other transcripts: non-coding transcript variant (8).
Genome position (GRCh38, 1-based): chr3:3,148,156, A deleted; the last of 4 consecutive A bases (chr3:3,148,153-3,148,156); deleting any one gives the same sequence. VCF-style (leftmost placement, unchanged base first): chr3-3148152-TA-T. GRCh37 (hg19) VCF-style: chr3-3189836-TA-T.
Other names: c.*2del, p.Ter415= (NM_001302946.2); c.*2del, p.Ter435= (NM_001367321.1, NM_001367322.1, NM_001367323.1).
Identifiers: ClinVar variation 1515726 (VCV001515726.6), dbSNP rs2126038625, ClinGen allele CA2573136003.